The following is an entry in ClinVar:

ClinVar aggregate classification (germline): Benign (1 of 4 stars; one submission).

Conditions:
Sessile serrated polyposis cancer syndrome (SSPCS). Identifiers: Orphanet 157798, MedGen C4310714, MONDO:0014919, OMIM 617108.

Submission:

Myriad Genetics, Inc.
Classification: Benign for Sessile serrated polyposis cancer syndrome. Last evaluated: 2026-06-30. Review status: criteria provided, single submitter. Criteria: Myriad Autosomal Dominant, Autosomal Recessive and X-Linked Classification Criteria (2023). Collection method: clinical testing. Allele origin: unknown.
Comment: This variant is considered benign. This variant is a silent/synonymous amino acid change and it is not expected to impact splicing.

NM_017763.6(RNF43):c.603C>T (p.Ile201=)

Gene: RNF43 (ring finger protein 43; minus strand). Cytogenetic location: 17q22.
Variant type: single nucleotide variant.
Coding change: c.603C>T on transcript NM_017763.6 (MANE Select); coding-DNA position 603, C replaced by T.
Protein change: p.Ile201=; no amino-acid change (isoleucine 201 retained).
Molecular consequence: synonymous variant.
Genome position (GRCh38, 1-based): chr17:58,362,628, G>A on the plus strand (C>T on the coding strand, the complement: RNF43 is on the minus strand). VCF-style: chr17-58362628-G-A. GRCh37 (hg19) VCF-style: chr17-56439989-G-A.
Other names: c.603C>T, p.Ile201= (NM_001305544.3, NM_001438820.1, NM_001438821.1 and 1 more transcripts); c.222C>T, p.Ile74= (NM_001305545.2, NM_001437987.1).
Identifiers: ClinVar variation 4875702 (VCV004875702.1).